The following is an entry in ClinVar:

ClinVar aggregate classification (germline): Benign (1 of 4 stars; one submission).

Conditions:
Intellectual developmental disorder, X-linked 30. Also called: Intellectual disability, X-linked 30; MENTAL RETARDATION, X-LINKED 47. Identifiers: Orphanet 777, MedGen C0796237, MONDO:0010361, OMIM 300558.

Allele frequency attached by ClinVar (database versions not stated): 1000 Genomes Project 0.00132; gnomAD 0.00143 and 0.00134; 1000 Genomes Project 30x 0.00125.

Submission:

Illumina Laboratory Services, Illumina
Classification: Benign for Intellectual developmental disorder, X-linked 30. Last evaluated: 2018-01-13. Review status: criteria provided, single submitter. Criteria: ICSL Variant Classification Criteria 13 December 2019. Collection method: clinical testing. Allele origin: germline.
Comment: This variant was observed in the ICSL laboratory as part of a predisposition screen in an ostensibly healthy population. It had not been previously curated by ICSL or reported in the Human Gene Mutation Database (HGMD: prior to June 1st, 2018), and was therefore a candidate for classification through an automated scoring system. Utilizing variant allele frequency, disease prevalence and penetrance estimates, and inheritance mode, an automated score was calculated to assess if this variant is too frequent to cause the disease. Based on the score and internal cut-off values, a variant classified as benign is not then subjected to further curation. The score for this variant resulted in a classification of benign for this disease.

NM_002578.5(PAK3):c.*463T>C

Gene: PAK3 (p21 (RAC1) activated kinase 3; plus strand). Cytogenetic location: Xq23.
Variant type: single nucleotide variant.
Coding change: c.*463T>C on transcript NM_002578.5 (MANE Select); 463 bases downstream of the stop codon, T replaced by C.
Molecular consequence: 3 prime UTR variant. On other transcripts: non-coding transcript variant (2).
Genome position (GRCh38, 1-based): chrX:111,220,910, T>C. VCF-style: chrX-111220910-T-C. GRCh37 (hg19) VCF-style: chrX-110464138-T-C.
Other names: c.*463T>C (NM_001128166.3, NM_001128167.3, NM_001128168.3 and 12 more transcripts).
Identifiers: ClinVar variation 912567 (VCV000912567.4), dbSNP rs761662392, ClinGen allele CA334406162.